The following is an entry in ClinVar:

NM_015338.6(ASXL1):c.3626G>C (p.Ser1209Thr)

Gene: ASXL1 (ASXL transcriptional regulator 1; plus strand). Cytogenetic location: 20q11.21.
Variant type: single nucleotide variant.
Coding change: c.3626G>C on transcript NM_015338.6 (MANE Select); coding-DNA position 3626, G replaced by C.
Protein change: p.Ser1209Thr; replaces serine 1209 with threonine.
Molecular consequence: missense variant.
Genome position (GRCh38, 1-based): chr20:32,436,338, G>C. VCF-style: chr20-32436338-G-C. GRCh37 (hg19) VCF-style: chr20-31024141-G-C.
Other names: c.3443G>C, p.Ser1148Thr (NM_001363734.1); short protein forms S1148T, S1209T.
Identifiers: ClinVar variation 5030308 (VCV005030308.1).

ClinVar aggregate classification (germline): Uncertain significance (1 of 4 stars; one submission).

Conditions:
Inborn genetic diseases. Identifiers: MedGen C0950123, MeSH D030342.

Submission:

Ambry Genetics
Classification: Uncertain significance for Inborn genetic diseases. Last evaluated: 2026-08-16. Review status: criteria provided, single submitter. Criteria: Ambry Variant Classification Scheme 2023. Collection method: clinical testing. Allele origin: germline.
Comment: The p.S1209T variant (also known as c.3626G>C), located in coding exon 13 of the ASXL1 gene, results from a G to C substitution at nucleotide position 3626. The serine at codon 1209 is replaced by threonine, an amino acid with similar properties. This amino acid position is conserved. In addition, this alteration is predicted to be tolerated by in silico analysis. Based on the available evidence, the clinical significance of this variant remains unclear.